The following is an entry in ClinVar:

NM_005050.4(ABCD4):c.716A>G (p.Tyr239Cys)

Gene: ABCD4 (ATP binding cassette subfamily D member 4; minus strand). Cytogenetic location: 14q24.3.
Variant type: single nucleotide variant.
Coding change: c.716A>G on transcript NM_005050.4 (MANE Select); coding-DNA position 716, A replaced by G.
Protein change: p.Tyr239Cys; replaces tyrosine 239 with cysteine.
Molecular consequence: missense variant. On other transcripts: non-coding transcript variant (9), intron variant (2).
Genome position (GRCh38, 1-based): chr14:74,295,151, T>C on the plus strand (A>G on the coding strand, the complement: ABCD4 is on the minus strand). VCF-style: chr14-74295151-T-C. GRCh37 (hg19) VCF-style: chr14-74761854-T-C.
Other names: c.590A>G, p.Tyr197Cys (NM_001353591.2, NM_001353592.2); c.455A>G, p.Tyr152Cys (NM_001353593.2); c.302A>G, p.Tyr101Cys (NM_001353595.2, NM_001353596.2); c.239A>G, p.Tyr80Cys (NM_001353598.2, NM_001353599.2, NM_001353600.2 and 2 more transcripts); c.22A>G, p.Thr8Ala (NM_001353602.2, NM_001353603.2, NM_001353604.2 and 6 more transcripts); c.587A>G, p.Tyr196Cys (NM_020323.1); c.716A>G, p.Tyr239Cys (NM_020325.3); c.407+703A>G (NM_001353594.2); and 1 more; short protein forms Y196C, T8A, Y239C, Y80C, Y101C, Y152C, Y197C.
Identifiers: ClinVar variation 1933569 (VCV001933569.5), dbSNP rs2505643397, ClinGen allele CA390376097.
Genomic context (GRCh38, chr14:74,295,151, plus strand): 5'-TCCTTCTCCACTCTCAGCTCTGGCAAGGCAGAAGGGGAACCATCTCTCCAGACTCACCTG[T>C]AGAAAGCAGCAGGCTCCGCATTCACCCGAATCTGCATGTGCTTGAACCTGGGCGGACCAA-3'
Protein context (NP_005041.1, residues 229-249): IRVNAEPAAF[Tyr239Cys]RAGHVEHMRT

ClinVar aggregate classification (germline): Uncertain significance (1 of 4 stars; one submission).

Conditions:
Methylmalonic acidemia with homocystinuria, type cblJ (MAHCJ). Also called: METHYLMALONIC ACIDURIA AND HOMOCYSTINURIA, cblJ TYPE. Identifiers: Orphanet 369955, MedGen C3553915, MONDO:0013925, OMIM 614857.

Allele frequency attached by ClinVar (database versions not stated): gnomAD exomes below 0.00001.
gnomAD v4.1: 1 of 1,614,170 alleles (0.000062%); highest among the groups gnomAD compares: Non-Finnish European, 0.000085%; no homozygotes.

Submission:

Labcorp Genetics (formerly Invitae), Labcorp
Classification: Uncertain significance for Methylmalonic acidemia with homocystinuria, type cblJ. Last evaluated: 2022-06-19. Review status: criteria provided, single submitter. Criteria: Invitae Variant Classification Sherloc (09022015). Collection method: clinical testing. Allele origin: germline.
Comment: In summary, the available evidence is currently insufficient to determine the role of this variant in disease. Therefore, it has been classified as a Variant of Uncertain Significance. Advanced modeling of protein sequence and biophysical properties (such as structural, functional, and spatial information, amino acid conservation, physicochemical variation, residue mobility, and thermodynamic stability) performed at Invitae indicates that this missense variant is expected to disrupt ABCD4 protein function. This variant has not been reported in the literature in individuals affected with ABCD4-related conditions. This variant is not present in population databases (gnomAD no frequency). This sequence change replaces tyrosine, which is neutral and polar, with cysteine, which is neutral and slightly polar, at codon 239 of the ABCD4 protein (p.Tyr239Cys).